The following is an entry in ClinVar:

ClinVar aggregate classification (germline): Uncertain significance. Review status: criteria provided, multiple submitters, no conflicts (2 of 4 stars). 2 submissions from 2 submitters: Uncertain significance (2). Last evaluated 2025-08-30.

Conditions:
Hereditary cancer-predisposing syndrome. Also called: Neoplastic Syndromes, Hereditary; Hereditary Cancer Syndrome; Tumor predisposition; Hereditary neoplastic syndrome. Identifiers: Orphanet 140162, MedGen C0027672, MeSH D009386, MONDO:0015356.
Hereditary nonpolyposis colorectal neoplasms. Identifiers: MedGen C0009405, MeSH D003123.

Submissions (2):

Color Diagnostics, LLC DBA Color Health
Classification: Uncertain significance for Hereditary cancer-predisposing syndrome. Last evaluated: 2025-08-30. Review status: criteria provided, single submitter. Criteria: ACMG Guidelines, 2015. Collection method: clinical testing. Allele origin: germline.
Comment: This missense variant replaces methionine with leucine at codon 176 of the MSH6 protein. Computational prediction suggests that this variant may not impact protein structure and function. To our knowledge, functional studies have not been reported for this variant. This variant has not been reported in individuals affected with MSH6-related disorders in the literature. This variant has not been identified in the general population by the Genome Aggregation Database (gnomAD). The available evidence is insufficient to determine the role of this variant in disease conclusively. Therefore, this variant is classified as a Variant of Uncertain Significance.

Labcorp Genetics (formerly Invitae), Labcorp
Classification: Uncertain significance for Hereditary nonpolyposis colorectal neoplasms. Last evaluated: 2025-05-06. Review status: criteria provided, single submitter. Criteria: Invitae Variant Classification Sherloc (09022015). Collection method: clinical testing. Allele origin: germline.
Comment: This sequence change replaces methionine, which is neutral and non-polar, with leucine, which is neutral and non-polar, at codon 176 of the MSH6 protein (p.Met176Leu). This variant is not present in population databases (gnomAD no frequency). This variant has not been reported in the literature in individuals affected with MSH6-related conditions. ClinVar contains an entry for this variant (Variation ID: 1476855). Invitae Evidence Modeling of protein sequence and biophysical properties (such as structural, functional, and spatial information, amino acid conservation, physicochemical variation, residue mobility, and thermodynamic stability) indicates that this missense variant is not expected to disrupt MSH6 protein function with a negative predictive value of 95%. In summary, the available evidence is currently insufficient to determine the role of this variant in disease. Therefore, it has been classified as a Variant of Uncertain Significance.

NM_000179.3(MSH6):c.526A>T (p.Met176Leu)

Gene: MSH6 (mutS homolog 6; plus strand). Cytogenetic location: 2p16.3.
Variant type: single nucleotide variant.
Coding change: c.526A>T on transcript NM_000179.3 (MANE Select); coding-DNA position 526, A replaced by T.
Protein change: p.Met176Leu; replaces methionine 176 with leucine.
Molecular consequence: missense variant. On other transcripts: 5 prime UTR variant (1), intron variant (2).
Genome position (GRCh38, 1-based): chr2:47,795,962, A>T. VCF-style: chr2-47795962-A-T. GRCh37 (hg19) VCF-style: chr2-48023101-A-T.
Other names: c.-377A>T (NM_001281494.2); c.-279-2649A>T (NM_001281493.2); c.238-2649A>T (NM_001281492.2); short protein forms M176L.
Identifiers: ClinVar variation 1476855 (VCV001476855.8), dbSNP rs750327994, ClinGen allele CA346738694.
Genomic context (GRCh38, chr2:47,795,962, plus strand): 5'-TCAAAGGAAGCCCAGAAGGGAGGTCATTTTTACAGTGCAAAGCCTGAAATACTGAGAGCA[A>T]TGCAACGTGCAGATGAAGCCTTAAATAAAGACAAGATTAAGAGGCTTGAATTGGCAGTTT-3'
Protein context (NP_000170.1, residues 166-186): YSAKPEILRA[Met176Leu]QRADEALNKD